The following is an entry in ClinVar:

ClinVar aggregate classification (germline): Benign/Likely benign. Review status: criteria provided, multiple submitters, no conflicts (2 of 4 stars). 5 submissions from 5 submitters: Benign (1); Likely benign (4). Last evaluated 2025-03-14.

Conditions:
Hereditary cancer-predisposing syndrome. Also called: Tumor predisposition; Hereditary Cancer Syndrome; Hereditary neoplastic syndrome; Neoplastic Syndromes, Hereditary. Identifiers: Orphanet 140162, MedGen C0027672, MeSH D009386, MONDO:0015356.
Breast-ovarian cancer, familial, susceptibility to, 3. Also called: RAD51C-Related Breast/Ovarian Cancer. Identifiers: Orphanet 145, MedGen C3150659, MONDO:0013253, OMIM 613399.
Fanconi anemia complementation group O. Also called: RAD51C-Related Fanconi Anemia. Identifiers: Orphanet 84, MedGen C3150653, MONDO:0013248, OMIM 613390.

gnomAD v4.1: 2 of 1,614,228 alleles (0.00012%); highest among the groups gnomAD compares: East Asian, 0.0022%; no homozygotes.

Submissions (5):

Labcorp Genetics (formerly Invitae), Labcorp
Classification: Likely benign for Fanconi anemia complementation group O. Last evaluated: 2025-03-14. Review status: criteria provided, single submitter. Criteria: Invitae Variant Classification Sherloc (09022015). Collection method: clinical testing. Allele origin: germline.

Myriad Genetics, Inc.
Classification: Benign for Breast-ovarian cancer, familial, susceptibility to, 3. Last evaluated: 2025-02-14. Review status: criteria provided, single submitter. Criteria: Myriad Autosomal Dominant, Autosomal Recessive and X-Linked Classification Criteria (2023). Collection method: clinical testing. Allele origin: unknown.
Comment: This variant is considered benign. This variant is a silent/synonymous amino acid change and it is not expected to impact splicing.

Sema4
Classification: Likely benign for Hereditary cancer-predisposing syndrome. Last evaluated: 2022-02-07. Review status: criteria provided, single submitter. Criteria: Sema4 Curation Guidelines. Collection method: curation. Allele origin: germline.

Color Diagnostics, LLC DBA Color Health
Classification: Likely benign for Hereditary cancer-predisposing syndrome. Last evaluated: 2019-07-18. Review status: criteria provided, single submitter. Criteria: ACMG Guidelines, 2015. Collection method: clinical testing. Allele origin: germline.

Ambry Genetics
Classification: Likely benign for Hereditary cancer-predisposing syndrome. Last evaluated: 2019-05-31. Review status: criteria provided, single submitter. Criteria: Ambry Variant Classification Scheme 2023. Collection method: clinical testing. Allele origin: germline.

NM_058216.3(RAD51C):c.114C>T (p.Leu38=)

Gene: RAD51C (RAD51 paralog C; plus strand). Cytogenetic location: 17q22.
Variant type: single nucleotide variant.
Coding change: c.114C>T on transcript NM_058216.3 (MANE Select); coding-DNA position 114, C replaced by T.
Protein change: p.Leu38=; no amino-acid change (leucine 38 retained).
Molecular consequence: synonymous variant. On other transcripts: non-coding transcript variant (1).
Genome position (GRCh38, 1-based): chr17:58,692,757, C>T. VCF-style: chr17-58692757-C-T. GRCh37 (hg19) VCF-style: chr17-56770118-C-T.
Other names: c.114C>T, p.Leu38= (NM_002876.4).
Identifiers: ClinVar variation 185550 (VCV000185550.19), dbSNP rs786202265, ClinGen allele CA192251.